The following is an entry in ClinVar:

NM_000020.3(ACVRL1):c.501del (p.Glu168fs)

Gene: ACVRL1 (activin A receptor like type 1; plus strand). Cytogenetic location: 12q13.13.
Variant type: Deletion.
Coding change: c.501del on transcript NM_000020.3 (MANE Select); coding-DNA position 501, one base deleted (T; older notation c.501delT).
Protein change: p.Glu168fs; shifts the reading frame from glutamic acid 168.
Molecular consequence: frameshift variant.
Genome position (GRCh38, 1-based): chr12:51,913,746, T deleted. VCF-style (leftmost placement, unchanged base first): chr12-51913745-CT-C. GRCh37 (hg19) VCF-style: chr12-52307529-CT-C.
Other names: c.501del, p.Glu168fs (NM_001077401.2); c.501delT, p.Glu168Serfs (NM_001406487.1, NM_001406488.1, NM_001406489.1); short protein forms E168fs.
Identifiers: ClinVar variation 1744814 (VCV001744814.3), dbSNP rs2540160953, ClinGen allele CA2580086452.

ClinVar aggregate classification (germline): Pathogenic (1 of 4 stars; one submission).

Conditions:
Cardiovascular phenotype. Identifiers: MedGen CN230736.

Submission:

Ambry Genetics
Classification: Pathogenic for Cardiovascular phenotype. Last evaluated: 2025-02-17. Review status: criteria provided, single submitter. Criteria: Ambry Variant Classification Scheme 2023. Collection method: clinical testing. Allele origin: germline.
Comment: The c.501delT pathogenic mutation, located in coding exon 3 of the ACVRL1 gene, results from a deletion of one nucleotide at nucleotide position 501, causing a translational frameshift with a predicted alternate stop codon (p.E168Sfs*90). This variant is considered to be rare based on population cohorts in the Genome Aggregation Database (gnomAD). This alteration is expected to result in loss of function by premature protein truncation or nonsense-mediated mRNA decay. As such, this alteration is interpreted as a disease-causing mutation.